The following is an entry in ClinVar:

NM_000051.4(ATM):c.3747-16A>G

Gene: ATM (ATM serine/threonine kinase; plus strand). Cytogenetic location: 11q22.3.
Variant type: single nucleotide variant.
Coding change: c.3747-16A>G on transcript NM_000051.4 (MANE Select); 16 bases into the intron before coding-DNA position 3747, A replaced by G.
Molecular consequence: intron variant.
Genome position (GRCh38, 1-based): chr11:108,284,211, A>G. VCF-style: chr11-108284211-A-G. GRCh37 (hg19) VCF-style: chr11-108154938-A-G.
Other names: c.3747-16A>G (NM_001351834.2).
Identifiers: ClinVar variation 490545 (VCV000490545.16), dbSNP rs1555093241, ClinGen allele CA658683111.

ClinVar aggregate classification (germline): Conflicting classifications of pathogenicity. Review status: criteria provided, conflicting classifications (1 of 4 stars). 5 submissions from 5 submitters: Pathogenic (1); Uncertain significance (3); Likely benign (1). Last evaluated 2026-01-01.

Conditions:
Familial cancer of breast. Also called: Hereditary breast cancer; hereditary breast carcinoma; BREAST CANCER, FAMILIAL. Identifiers: Orphanet 227535, MedGen C0346153, MONDO:0016419, OMIM 114480. Disease mechanism: loss of function.
Ataxia-telangiectasia syndrome (AT). Also called: LOUIS-BAR SYNDROME; Ataxia-telangiectasia, complementation group D; AT, COMPLEMENTATION GROUP C; ATAXIA-TELANGIECTASIA, COMPLEMENTATION GROUP A; ATAXIA-TELANGIECTASIA, FRESNO VARIANT; Ataxia-telangiectasia. Identifiers: Orphanet 100, MedGen C0004135, MONDO:0008840, OMIM 208900.
Hereditary cancer-predisposing syndrome. Also called: Hereditary neoplastic syndrome; Neoplastic Syndromes, Hereditary; Hereditary Cancer Syndrome; Tumor predisposition. Identifiers: Orphanet 140162, MedGen C0027672, MeSH D009386, MONDO:0015356.

Allele frequency attached by ClinVar (database versions not stated): gnomAD exomes below 0.00001; TOPMed below 0.00001; gnomAD 0.00001.
gnomAD v4.1: 4 of 1,573,928 alleles (0.00025%); highest among the groups gnomAD compares: Non-Finnish European, 0.00035%; no homozygotes.

Submissions (5):

CeGaT Center for Human Genetics Tuebingen
Classification: Uncertain significance. Last evaluated: 2026-01-01. Review status: criteria provided, single submitter. Criteria: CeGaT Center For Human Genetics Tuebingen Variant Classification Criteria Version 2. Collection method: clinical testing. Allele origin: germline. Affected: yes. Observed: 1 variant allele.
Comment: ATM: PM2, PP3

Labcorp Genetics (formerly Invitae), Labcorp
Classification: Pathogenic for Ataxia-telangiectasia syndrome. Last evaluated: 2025-11-27. Review status: criteria provided, single submitter. Criteria: Invitae Variant Classification Sherloc (09022015). Collection method: clinical testing. Allele origin: germline.
Comment: This sequence change falls in intron 25 of the ATM gene. It does not directly change the encoded amino acid sequence of the ATM protein. RNA analysis indicates that this variant induces altered splicing and may result in an absent or altered protein product. This variant is not present in population databases (gnomAD no frequency). This variant has not been reported in the literature in individuals affected with ATM-related conditions. ClinVar contains an entry for this variant (Variation ID: 490545). Studies have shown that this variant results in retention of intron 25 and skipping of part of exon 26, and produces a non-functional protein and/or introduces a premature termination codon (internal data). For these reasons, this variant has been classified as Pathogenic.

Color Diagnostics, LLC DBA Color Health
Classification: Uncertain significance for Hereditary cancer-predisposing syndrome. Last evaluated: 2024-03-14. Review status: criteria provided, single submitter. Criteria: ACMG Guidelines, 2015. Collection method: clinical testing. Allele origin: germline.
Comment: This variant causes an A to G nucleotide substitution at the -16 position of intron 25/62 of the ATM gene. This variant has been reported to cause out-of-frame skipping of partial exon 26 by an external laboratory, however, detailed data are not available for review (ClinVar Accession: SCV002288643.3). A high-throughput mRNA sequencing assay also detected abnormal splicing (PMID: 36563937). This variant has not been reported in individuals affected with ATM-related disorders in the literature. This variant has not been identified in the general population by the Genome Aggregation Database (gnomAD). The available evidence is insufficient to determine the role of this variant in disease conclusively. Therefore, this variant is classified as a Variant of Uncertain Significance.

Baylor Genetics
Classification: Uncertain significance for Familial cancer of breast. Last evaluated: 2022-05-23. Review status: criteria provided, single submitter. Criteria: ACMG Guidelines, 2015. Collection method: clinical testing. Allele origin: unknown.

GeneDx
Classification: Likely benign. Last evaluated: 2017-04-26. Review status: criteria provided, single submitter. Criteria: GeneDx Variant Classification (06012015). Collection method: clinical testing. Allele origin: germline. Affected: yes.
Comment: This variant is considered likely benign or benign based on one or more of the following criteria: it is a conservative change, it occurs at a poorly conserved position in the protein, it is predicted to be benign by multiple in silico algorithms, and/or has population frequency not consistent with disease.

Literature cited by the submitters: PubMed 36563937 (cited by Color Diagnostics, LLC DBA Color Health).